The following is an entry in ClinVar:

ClinVar aggregate classification (germline): Uncertain significance. Review status: criteria provided, multiple submitters, no conflicts (2 of 4 stars). 2 submissions from 2 submitters: Uncertain significance (2). Last evaluated 2025-03-13.

Conditions:
Cardiovascular phenotype. Identifiers: MedGen CN230736.
Ehlers-Danlos syndrome (EDS). Identifiers: Orphanet 98249, MedGen C0013720, MONDO:0020066.

Submissions (2):

Ambry Genetics
Classification: Uncertain significance for Cardiovascular phenotype. Last evaluated: 2025-03-13. Review status: criteria provided, single submitter. Criteria: Ambry Variant Classification Scheme 2023. Collection method: clinical testing. Allele origin: germline.
Comment: The p.T1862I variant (also known as c.5585C>T), located in coding exon 14 of the TNXB gene, results from a C to T substitution at nucleotide position 5585. The threonine at codon 1862 is replaced by isoleucine, an amino acid with similar properties. This amino acid position is conserved. In addition, this alteration is predicted to be tolerated by in silico analysis. Based on the available evidence, the clinical significance of this variant remains unclear.

Genome Diagnostics Laboratory, The Hospital for Sick Children
Classification: Uncertain significance for Ehlers-Danlos syndrome. Last evaluated: 2020-07-22. Review status: criteria provided, single submitter. Criteria: ACMG Guidelines, 2015. Collection method: clinical testing. Allele origin: germline.

NM_001365276.2(TNXB):c.5585C>T (p.Thr1862Ile)

Gene: TNXB (tenascin XB; minus strand). Cytogenetic location: 6p21.33.
Variant type: single nucleotide variant.
Coding change: c.5585C>T on transcript NM_001365276.2 (MANE Select); coding-DNA position 5585, C replaced by T.
Protein change: p.Thr1862Ile; replaces threonine 1862 with isoleucine.
Molecular consequence: missense variant.
Genome position (GRCh38, 1-based): chr6:32,069,555, G>A on the plus strand (C>T on the coding strand, the complement: TNXB is on the minus strand). VCF-style: chr6-32069555-G-A. GRCh37 (hg19) VCF-style: chr6-32037332-G-A.
Other names: c.5585C>T, p.Thr1862Ile (NM_019105.8); short protein forms T1862I.
Identifiers: ClinVar variation 1702337 (VCV001702337.4), dbSNP rs2151915881, ClinGen allele CA363411020.
Genomic context (GRCh38, chr6:32,069,555, plus strand): 5'-CAGACCAGGAGAGCCAGGCGGGAAGGAGGCACAGGTGTTCCAGCTGCCGCACACTCACCA[G>A]TAATGGCGACGGCCGAGATGGGGCCCACACGCTTGCCGTGGTGCAGCCCGTAGAGCAGCA-3'
Protein context (NP_001352205.1, residues 1852-1872): RVGPISAVAI[Thr1862Ile]AGREETETET